The following is an entry in ClinVar:

NM_001845.6(COL4A1):c.3512C>G (p.Pro1171Arg)

Gene: COL4A1 (collagen type IV alpha 1 chain; minus strand). Cytogenetic location: 13q34.
Variant type: single nucleotide variant.
Coding change: c.3512C>G on transcript NM_001845.6 (MANE Select); coding-DNA position 3512, C replaced by G.
Protein change: p.Pro1171Arg; replaces proline 1171 with arginine.
Molecular consequence: missense variant.
Genome position (GRCh38, 1-based): chr13:110,172,764, G>C on the plus strand (C>G on the coding strand, the complement: COL4A1 is on the minus strand). VCF-style: chr13-110172764-G-C. GRCh37 (hg19) VCF-style: chr13-110825111-G-C.
Other names: short protein forms P1171R.
Identifiers: ClinVar variation 2577578 (VCV002577578.1), dbSNP rs2501765952, ClinGen allele CA388664075.
Genomic context (GRCh38, chr13:110,172,764, plus strand): 5'-AGTGAGCAAAGATTACCTTTGTCTCCTTTGGCCCCTGGAAACCCTGGGAATCCTCTTCCT[G>C]GTAGACCTATAAGATGAGGGTAAAATGCCACGTTTCTCTTTACTTAAACAATCCATCTGC-3'
Protein context (NP_001836.3, residues 1161-1181): SAGEKGEPGL[Pro1171Arg]GRGFPGFPGA

ClinVar aggregate classification (germline): Uncertain significance (1 of 4 stars; one submission).

Submission:

GeneDx
Classification: Uncertain significance. Last evaluated: 2023-02-27. Review status: criteria provided, single submitter. Criteria: GeneDx Variant Classification Process June 2021. Collection method: clinical testing. Allele origin: germline. Affected: yes.
Comment: Has not been previously published as pathogenic or benign to our knowledge; Not observed at significant frequency in large population cohorts (gnomAD); Occurs in the triple helical domain at the Y position in the canonical Gly-X-Y repeat; although this variant may have an effect on normal protein folding and function, missense substitution at the Y position is not a common mechanism of disease; In silico analysis supports that this missense variant has a deleterious effect on protein structure/function